The following is an entry in ClinVar:

ClinVar aggregate classification (germline): Uncertain significance. Review status: criteria provided, multiple submitters, no conflicts (2 of 4 stars). 2 submissions from 2 submitters: Uncertain significance (2). Last evaluated 2024-09-30.

Conditions:
Bloom syndrome (BLM). Also called: Bloom-Torre-Machacek syndrome. Identifiers: Orphanet 125, MedGen C0005859, MONDO:0008876, OMIM 210900.
Hereditary cancer-predisposing syndrome. Also called: Neoplastic Syndromes, Hereditary; Tumor predisposition; Hereditary neoplastic syndrome; Hereditary Cancer Syndrome. Identifiers: Orphanet 140162, MedGen C0027672, MeSH D009386, MONDO:0015356.

Allele frequency attached by ClinVar (database versions not stated): TOPMed 0.00001.

Submissions (2):

Ambry Genetics
Classification: Uncertain significance for Hereditary cancer-predisposing syndrome. Last evaluated: 2024-09-30. Review status: criteria provided, single submitter. Criteria: Ambry Variant Classification Scheme 2023. Collection method: clinical testing. Allele origin: germline.
Comment: The p.R1347G variant (also known as c.4039A>G), located in coding exon 20 of the BLM gene, results from an A to G substitution at nucleotide position 4039. The arginine at codon 1347 is replaced by glycine, an amino acid with dissimilar properties. This amino acid position is well conserved in available vertebrate species. In addition, the in silico prediction for this alteration is inconclusive. Since supporting evidence is limited at this time, the clinical significance of this alteration remains unclear.

Labcorp Genetics (formerly Invitae), Labcorp
Classification: Uncertain significance for Bloom syndrome. Last evaluated: 2023-12-14. Review status: criteria provided, single submitter. Criteria: Invitae Variant Classification Sherloc (09022015). Collection method: clinical testing. Allele origin: germline.
Comment: This sequence change replaces arginine, which is basic and polar, with glycine, which is neutral and non-polar, at codon 1347 of the BLM protein (p.Arg1347Gly). This variant is not present in population databases (gnomAD no frequency). This variant has not been reported in the literature in individuals affected with BLM-related conditions. ClinVar contains an entry for this variant (Variation ID: 824529). Advanced modeling of protein sequence and biophysical properties (such as structural, functional, and spatial information, amino acid conservation, physicochemical variation, residue mobility, and thermodynamic stability) performed at Invitae indicates that this missense variant is not expected to disrupt BLM protein function with a negative predictive value of 80%. In summary, the available evidence is currently insufficient to determine the role of this variant in disease. Therefore, it has been classified as a Variant of Uncertain Significance.

NM_000057.4(BLM):c.4039A>G (p.Arg1347Gly)

Gene: BLM (BLM RecQ like helicase; plus strand). Cytogenetic location: 15q26.1.
Variant type: single nucleotide variant.
Coding change: c.4039A>G on transcript NM_000057.4 (MANE Select); coding-DNA position 4039, A replaced by G.
Protein change: p.Arg1347Gly; replaces arginine 1347 with glycine.
Molecular consequence: missense variant.
Genome position (GRCh38, 1-based): chr15:90,811,369, A>G. VCF-style: chr15-90811369-A-G. GRCh37 (hg19) VCF-style: chr15-91354599-A-G.
Other names: c.4039A>G, p.Arg1347Gly (NM_001287246.2); c.3646A>G, p.Arg1216Gly (NM_001287247.2); c.2914A>G, p.Arg972Gly (NM_001287248.2); short protein forms R1347G, R1216G, R972G.
Identifiers: ClinVar variation 824529 (VCV000824529.8), dbSNP rs1596273711, ClinGen allele CA393851409.